The following is an entry in ClinVar:

ClinVar aggregate classification (germline): Uncertain significance. Review status: criteria provided, multiple submitters, no conflicts (2 of 4 stars). 2 submissions from 2 submitters: Uncertain significance (2). Last evaluated 2022-01-13.

Submissions (2):

Labcorp Genetics (formerly Invitae), Labcorp
Classification: Uncertain significance. Last evaluated: 2022-01-13. Review status: criteria provided, single submitter. Criteria: Invitae Variant Classification Sherloc (09022015). Collection method: clinical testing. Allele origin: germline.
Comment: In summary, the available evidence is currently insufficient to determine the role of this variant in disease. Therefore, it has been classified as a Variant of Uncertain Significance. Experimental studies and prediction algorithms are not available or were not evaluated, and the functional significance of this variant is currently unknown. This variant has not been reported in the literature in individuals affected with KCNV2-related conditions. This variant is present in population databases (rs759818370, gnomAD 0.01%). This variant, c.671_676del, results in the deletion of 2 amino acid(s) of the KCNV2 protein (p.Ala224_Gln225del), but otherwise preserves the integrity of the reading frame.

Blueprint Genetics
Classification: Uncertain significance. Last evaluated: 2018-03-01. Review status: criteria provided, single submitter. Criteria: ACMG Guidelines, 2015. Collection method: clinical testing. Allele origin: germline.

NM_133497.4(KCNV2):c.665CGCAGG[1] (p.222AQ[1])

Gene: KCNV2 (potassium voltage-gated channel modifier subfamily V member 2; plus strand). Cytogenetic location: 9p24.2.
Variant type: Microsatellite.
Coding change: c.665CGCAGG[1] on transcript NM_133497.4 (MANE Select); one copy of the 6-base unit CGCAGG starting at c.665; the reference has two copies in a row; one copy, 6 bases deleted.
Protein change: p.222AQ[1].
Molecular consequence: inframe deletion.
Genome position (GRCh38, 1-based): chr9:2,718,410-2,718,415, CGCAGG deleted; deleting any 6 consecutive bases within chr9:2,718,403-2,718,415 gives the same sequence; the position shown is the placement nearest the transcript's 3' end. VCF-style (leftmost placement, unchanged base first): chr9-2718402-CGCGCAG-C. GRCh37 (hg19) VCF-style: chr9-2718402-CGCGCAG-C.
Identifiers: ClinVar variation 1036186 (VCV001036186.11), dbSNP rs759818370, ClinGen allele CA4965565.
Genomic context (GRCh38, chr9:2,718,402, plus strand): 5'-CTGCTTCGAGGAGCGGCGCGACGAGCTGAGCGAACGGCTCAAGATCCAGCACGAGCTGCG[CGCGCAG>C]GCGCAGGTCGAGGAGGCGGAGGAACTCTTCCGCGACATGCGCTTCTACGGCCCGCAGCGG-3'